The following is an entry in ClinVar:

ClinVar aggregate classification (germline): Likely benign (0 of 4 stars; one submission).

Conditions:
TRAPPC6A-related disorder. Also called: TRAPPC6A-related condition.

Allele frequency attached by ClinVar (database versions not stated): gnomAD exomes 0.00009; gnomAD 0.00013; TOPMed 0.00030; 1000 Genomes Project 30x 0.00031; 1000 Genomes Project 0.00040; ExAC 0.00043.
gnomAD v4.1: 169 of 1,603,014 alleles (0.011%); highest among the groups gnomAD compares: Admixed American, 0.18%; 1 homozygote.

Submission:

PreventionGenetics, part of Exact Sciences
Classification: Likely benign for TRAPPC6A-related condition. Last evaluated: 2022-04-04. Review status: no assertion criteria provided. Collection method: clinical testing. Allele origin: germline.
Comment: This variant is classified as likely benign based on ACMG/AMP sequence variant interpretation guidelines (Richards et al. 2015 PMID: 25741868, with internal and published modifications).

NM_001270891.2(TRAPPC6A):c.275C>T (p.Thr92Ile)

Gene: TRAPPC6A (trafficking protein particle complex subunit 6A; minus strand). Cytogenetic location: 19q13.32.
Variant type: single nucleotide variant.
Coding change: c.275C>T on transcript NM_001270891.2 (MANE Select); coding-DNA position 275, C replaced by T.
Protein change: p.Thr92Ile; replaces threonine 92 with isoleucine.
Molecular consequence: missense variant. On other transcripts: synonymous variant (2).
Genome position (GRCh38, 1-based): chr19:45,164,243, G>A on the plus strand (C>T on the coding strand, the complement: TRAPPC6A is on the minus strand). VCF-style: chr19-45164243-G-A. GRCh37 (hg19) VCF-style: chr19-45667501-G-A.
Other names: c.249C>T, p.Asp83= (NM_001270892.2); c.207C>T, p.Asp69= (NM_001270893.2); c.317C>T, p.Thr106Ile (NM_024108.3); short protein forms T106I, T92I.
Identifiers: ClinVar variation 3051159 (VCV003051159.2), dbSNP rs201193290, ClinGen allele CA9510005.